The following is an entry in ClinVar:

NM_001258392.3(CLPB):c.1835T>G (p.Leu612Arg)

Gene: CLPB (ClpB family mitochondrial disaggregase; minus strand). Cytogenetic location: 11q13.4.
Variant type: single nucleotide variant.
Coding change: c.1835T>G on transcript NM_001258392.3 (MANE Select); coding-DNA position 1835, T replaced by G.
Protein change: p.Leu612Arg; replaces leucine 612 with arginine.
Molecular consequence: missense variant.
Genome position (GRCh38, 1-based): chr11:72,293,566, A>C on the plus strand (T>G on the coding strand, the complement: CLPB is on the minus strand). VCF-style: chr11-72293566-A-C. GRCh37 (hg19) VCF-style: chr11-72004610-A-C.
Other names: c.1748T>G, p.Leu583Arg (NM_001258393.3); c.1790T>G, p.Leu597Arg (NM_001258394.3); c.1925T>G, p.Leu642Arg (NM_030813.6); short protein forms L583R, L597R, L612R, L642R.
Identifiers: ClinVar variation 2642119 (VCV002642119.24), dbSNP rs2539314130, ClinGen allele CA381724700.

ClinVar aggregate classification (germline): Uncertain significance (1 of 4 stars; one submission).

Submission:

CeGaT Center for Human Genetics Tuebingen
Classification: Uncertain significance. Last evaluated: 2022-11-01. Review status: criteria provided, single submitter. Criteria: CeGaT Center For Human Genetics Tuebingen Variant Classification Criteria Version 2. Collection method: clinical testing. Allele origin: germline. Affected: yes. Observed: 1 variant allele.
Comment: CLPB: PM2